The following is an entry in ClinVar:

ClinVar aggregate classification (germline): Uncertain significance (1 of 4 stars; one submission).

Submission:

Labcorp Genetics (formerly Invitae), Labcorp
Classification: Uncertain significance. Last evaluated: 2023-11-02. Review status: criteria provided, single submitter. Criteria: Invitae Variant Classification Sherloc (09022015). Collection method: clinical testing. Allele origin: germline.
Comment: This sequence change falls in intron 31 of the POLE gene. It does not directly change the encoded amino acid sequence of the POLE protein. It affects a nucleotide within the consensus splice site. This variant is not present in population databases (gnomAD no frequency). This variant has not been reported in the literature in individuals affected with POLE-related conditions. Variants that disrupt the consensus splice site are a relatively common cause of aberrant splicing (PMID: 17576681, 9536098). Algorithms developed to predict the effect of sequence changes on RNA splicing suggest that this variant may disrupt the consensus splice site. In summary, the available evidence is currently insufficient to determine the role of this variant in disease. Therefore, it has been classified as a Variant of Uncertain Significance.

Literature cited by the submitters: PubMed 17576681; PubMed 9536098.

NM_006231.4(POLE):c.4006-3C>G

Gene: POLE (DNA polymerase epsilon, catalytic subunit; minus strand). Cytogenetic location: 12q24.33.
Variant type: single nucleotide variant.
Coding change: c.4006-3C>G on transcript NM_006231.4 (MANE Select); 3 bases into the intron before coding-DNA position 4006, C replaced by G.
Molecular consequence: intron variant.
Genome position (GRCh38, 1-based): chr12:132,649,075, G>C on the plus strand (C>G on the coding strand, the complement: POLE is on the minus strand). VCF-style: chr12-132649075-G-C. GRCh37 (hg19) VCF-style: chr12-133225661-G-C.
Identifiers: ClinVar variation 2692689 (VCV002692689.3), dbSNP rs1593748957, ClinGen allele CA2697551590.